The following is an entry in ClinVar:

ClinVar aggregate classification (germline): not provided (0 of 4 stars; one submission).

Conditions:
Intellectual disability, X-linked 102 (MRXSSB). Also called: Intellectual developmental disorder, X-linked syndromic, Snijders Blok type. Identifiers: Orphanet 457260, MedGen C5393299, MONDO:0010497, OMIM 300958.

Submission:

GeneReviews
No classification provided. Condition: Intellectual disability, X-linked 102. Review status: no classification provided. Collection method: literature only. Allele origin: germline.

Literature cited by the submitters: PubMed 32135084; NCBI Bookshelf NBK561282.

NM_001356.5(DDX3X):c.898G>T (p.Val300Phe)

Gene: DDX3X (DEAD-box helicase 3 X-linked; plus strand). Cytogenetic location: Xp11.4.
Variant type: single nucleotide variant.
Coding change: c.898G>T on transcript NM_001356.5 (MANE Select); coding-DNA position 898, G replaced by T.
Protein change: p.Val300Phe; replaces valine 300 with phenylalanine.
Molecular consequence: missense variant. On other transcripts: non-coding transcript variant (1).
Genome position (GRCh38, 1-based): chrX:41,344,272, G>T. VCF-style: chrX-41344272-G-T. GRCh37 (hg19) VCF-style: chrX-41203525-G-T.
Other names: c.898G>T, p.Val300Phe (NM_001193416.3); c.850G>T, p.Val284Phe (NM_001193417.3); c.340G>T, p.Val114Phe (NM_001363819.1); short protein forms V114F, V284F, V300F.
Identifiers: ClinVar variation 1342016 (VCV001342016.2), dbSNP rs2147353947, ClinGen allele CA412770761.